The following is an entry in ClinVar:

ClinVar aggregate classification (germline): Uncertain significance (1 of 4 stars; one submission).

Conditions:
Merosin deficient congenital muscular dystrophy (MDC1A). Also called: Congenital merosin-deficient muscular dystrophy 1A; Congenital Muscular Dystrophy Type 1A (MDC1A). Identifiers: Orphanet 258, MedGen C1263858, MONDO:0011925, OMIM 607855.

gnomAD v4.1: 4 of 1,613,142 alleles (0.00025%); highest among the groups gnomAD compares: South Asian, 0.0044%; no homozygotes.

Submission:

Neuberg Centre For Genomic Medicine, NCGM
Classification: Uncertain significance for Merosin deficient congenital muscular dystrophy. Last evaluated: 2023-05-20. Review status: criteria provided, single submitter. Criteria: ACMG Guidelines, 2015. Collection method: clinical testing. Allele origin: germline. Inheritance: Autosomal recessive inheritance. Affected: yes.
Comment: The observed missense c.1199C>G(p.Pro400Arg) variant in LAMA2 gene has not been reported previously as a pathogenic variant nor as a benign variant, to our knowledge. This variant is reported with the allele frequency of 0.001% in the gnomAD Exomes. The amino acid Pro at position 400 is changed to a Arg changing protein sequence and it might alter its composition and physico-chemical properties. The amino acid change p.Pro400Arg in LAMA2 is predicted as conserved by GERP++ and PhyloP across 100 vertebrates. Multiple lines of computational evidence (Polyphen - Possibly Damaging, SIFT - Damaging and MutationTaster - Disease causing) predict a damaging effect on protein structure and function for this variant. For these reasons, this variant has been classified as Uncertain Significance.

NM_000426.4(LAMA2):c.1199C>G (p.Pro400Arg)

Gene: LAMA2 (laminin subunit alpha 2; plus strand). Cytogenetic location: 6q22.33.
Variant type: single nucleotide variant.
Coding change: c.1199C>G on transcript NM_000426.4 (MANE Select); coding-DNA position 1199, C replaced by G.
Protein change: p.Pro400Arg; replaces proline 400 with arginine.
Molecular consequence: missense variant.
Genome position (GRCh38, 1-based): chr6:129,154,676, C>G. VCF-style: chr6-129154676-C-G. GRCh37 (hg19) VCF-style: chr6-129475821-C-G.
Other names: c.1199C>G, p.Pro400Arg (NM_001079823.2); short protein forms P400R.
Identifiers: ClinVar variation 3341325 (VCV003341325.1).
Genomic context (GRCh38, chr6:129,154,676, plus strand): 5'-ATTGTACCCAAAACACTGCTGGTATAAACTGCGAGACATGTACTGATGGCTTCTTCAGAC[C>G]CAAAGGGGTAAAGTATGCTTTTTCTTTCATAAAGAGTTATTTTTTTGCTTTTTCATACAA-3'
Protein context (NP_000417.3, residues 390-410): CETCTDGFFR[Pro400Arg]KGVSPNYPRP